The following is an entry in ClinVar:

NM_005220.3(DLX3):c.154T>C (p.Ser52Pro)

Gene: DLX3 (distal-less homeobox 3; minus strand). Cytogenetic location: 17q21.33.
Variant type: single nucleotide variant.
Coding change: c.154T>C on transcript NM_005220.3 (MANE Select); coding-DNA position 154, T replaced by C.
Protein change: p.Ser52Pro; replaces serine 52 with proline.
Molecular consequence: missense variant.
Genome position (GRCh38, 1-based): chr17:49,994,845, A>G on the plus strand (T>C on the coding strand, the complement: DLX3 is on the minus strand). VCF-style: chr17-49994845-A-G. GRCh37 (hg19) VCF-style: chr17-48072209-A-G.
Other names: short protein forms S52P.
Identifiers: ClinVar variation 1907823 (VCV001907823.5), dbSNP rs199578857, ClinGen allele CA8641104.

ClinVar aggregate classification (germline): Uncertain significance (1 of 4 stars; one submission).

Allele frequency attached by ClinVar (database versions not stated): TOPMed below 0.00001; gnomAD 0.00001; gnomAD exomes 0.00001; ExAC 0.00004; 1000 Genomes Project 30x 0.00016; 1000 Genomes Project 0.00020.
gnomAD v4.1: 11 of 1,614,198 alleles (0.00068%); highest among the groups gnomAD compares: East Asian, 0.018%; no homozygotes.

Submission:

Labcorp Genetics (formerly Invitae), Labcorp
Classification: Uncertain significance. Last evaluated: 2025-01-27. Review status: criteria provided, single submitter. Criteria: Invitae Variant Classification Sherloc (09022015). Collection method: clinical testing. Allele origin: germline.
Comment: This sequence change replaces serine, which is neutral and polar, with proline, which is neutral and non-polar, at codon 52 of the DLX3 protein (p.Ser52Pro). This variant is present in population databases (rs199578857, gnomAD 0.03%). This variant has not been reported in the literature in individuals affected with DLX3-related conditions. ClinVar contains an entry for this variant (Variation ID: 1907823). Invitae Evidence Modeling of protein sequence and biophysical properties (such as structural, functional, and spatial information, amino acid conservation, physicochemical variation, residue mobility, and thermodynamic stability) indicates that this missense variant is not expected to disrupt DLX3 protein function with a negative predictive value of 80%. In summary, the available evidence is currently insufficient to determine the role of this variant in disease. Therefore, it has been classified as a Variant of Uncertain Significance.